The following is an entry in ClinVar:

NC_000019.9:g.(?_39075563)_(39078060_?)del

Gene: RYR1 (ryanodine receptor 1; plus strand). Cytogenetic location: 19q13.2.
Variant type: Deletion.
Identifiers: ClinVar variation 1459862 (VCV001459862.5).

ClinVar aggregate classification (germline): Pathogenic (1 of 4 stars; one submission).

Conditions:
RYR1-related disorder. Also called: RYR1-related condition; RYR1-related disorders. Identifiers: MedGen CN239331.

Submission:

Labcorp Genetics (formerly Invitae), Labcorp
Classification: Pathogenic for RYR1-related disorder. Last evaluated: 2022-06-20. Review status: criteria provided, single submitter. Criteria: Invitae Variant Classification Sherloc (09022015). Collection method: clinical testing. Allele origin: germline.
Comment: For these reasons, this variant has been classified as Pathogenic. This variant disrupts a region of the RYR1 protein in which other variant(s) (p.Thr4980Met) have been determined to be pathogenic (PMID: 21911697, 23394784, 30611313; Invitae). This suggests that this is a clinically significant region of the protein, and that variants that disrupt it are likely to be disease-causing. This variant has not been reported in the literature in individuals affected with RYR1-related conditions. This variant is a gross deletion of the genomic region encompassing exon(s) 102-106 of the RYR1 gene, which includes the termination codon. This deletion extends beyond the assayed region for this gene and therefore may encompass additional genes. While this deletion is not anticipated to lead to nonsense mediated decay, it is expected to alter mRNA translation or result in a truncated protein product.

Literature cited by the submitters: PubMed 21911697; PubMed 23394784; PubMed 30611313.